The following is an entry in ClinVar:

NM_001160372.4(TRAPPC9):c.2954dup (p.Cys985fs)

Gene: TRAPPC9 (trafficking protein particle complex subunit 9; minus strand). Cytogenetic location: 8q24.3.
Variant type: Duplication.
Coding change: c.2954dup on transcript NM_001160372.4 (MANE Select); coding-DNA position 2954, one base duplicated (G; older notation c.2954dupG).
Protein change: p.Cys985fs; shifts the reading frame from cysteine 985.
Molecular consequence: frameshift variant. On other transcripts: non-coding transcript variant (1).
Genome position (GRCh38, 1-based): chr8:139,910,157, C duplicated on the plus strand (G on the coding strand, the reverse complement: TRAPPC9 is on the minus strand). VCF-style (leftmost placement, unchanged base first): chr8-139910156-G-GC. GRCh37 (hg19) VCF-style: chr8-140922400-G-GC.
Other names: c.2927dup, p.Cys976fs (NM_001321646.2); c.2975dup, p.Cys992fs (NM_001374682.1); c.2843dup, p.Cys948fs (NM_001374683.1); c.2810dup, p.Cys937fs (NM_001374684.1); c.2954dup, p.Cys985fs (NM_031466.8); short protein forms C937fs, C992fs, C948fs, C976fs, C985fs.
Identifiers: ClinVar variation 2009537 (VCV002009537.4), dbSNP rs2489800559, ClinGen allele CA2580078604.
Genomic context (GRCh38, chr8:139,910,156, plus strand): 5'-AACCCTGGGCAAAGGTGCCCCCAGGCCCAGGTGGCCCCTGGAAAAGGATATGATTCTCCA[G>GC]CAGATGCCCAGCTTGCTGTGGATCTCCAGGCCTCGGGCTTCCCGCCGCTCTTCCTCCAGC-3'

ClinVar aggregate classification (germline): Pathogenic (1 of 4 stars; one submission).

Submission:

Labcorp Genetics (formerly Invitae), Labcorp
Classification: Pathogenic. Last evaluated: 2022-09-06. Review status: criteria provided, single submitter. Criteria: Invitae Variant Classification Sherloc (09022015). Collection method: clinical testing. Allele origin: germline.
Comment: For these reasons, this variant has been classified as Pathogenic. This variant has not been reported in the literature in individuals affected with TRAPPC9-related conditions. This variant is not present in population databases (gnomAD no frequency). This sequence change creates a premature translational stop signal (p.Cys1083Trpfs*44) in the TRAPPC9 gene. It is expected to result in an absent or disrupted protein product. Loss-of-function variants in TRAPPC9 are known to be pathogenic (PMID: 2000476, 20004763, 20004764).

Literature cited by the submitters: PubMed 2000476; PubMed 20004763; PubMed 20004764.